The following is an entry in ClinVar:

ClinVar aggregate classification (germline): Uncertain significance (1 of 4 stars; one submission).

gnomAD v4.1: 5 of 1,562,814 alleles (0.00032%); highest among the groups gnomAD compares: South Asian, 0.0023%; no homozygotes.

Submission:

Labcorp Genetics (formerly Invitae), Labcorp
Classification: Uncertain significance. Last evaluated: 2024-05-21. Review status: criteria provided, single submitter. Criteria: Invitae Variant Classification Sherloc (09022015). Collection method: clinical testing. Allele origin: germline.
Comment: This sequence change falls in intron 8 of the LZTR1 gene. It does not directly change the encoded amino acid sequence of the LZTR1 protein. This variant is present in population databases (rs761409339, gnomAD 0.004%). This variant has not been reported in the literature in individuals affected with LZTR1-related conditions. Algorithms developed to predict the effect of sequence changes on RNA splicing suggest that this variant may create or strengthen a splice site. In summary, the available evidence is currently insufficient to determine the role of this variant in disease. Therefore, it has been classified as a Variant of Uncertain Significance.

NM_006767.4(LZTR1):c.792-13T>A

Gene: LZTR1 (leucine zipper like post translational regulator 1; plus strand). Cytogenetic location: 22q11.21.
Variant type: single nucleotide variant.
Coding change: c.792-13T>A on transcript NM_006767.4 (MANE Select); 13 bases into the intron before coding-DNA position 792, T replaced by A.
Molecular consequence: intron variant.
Genome position (GRCh38, 1-based): chr22:20,991,615, T>A. VCF-style: chr22-20991615-T-A. GRCh37 (hg19) VCF-style: chr22-21345904-T-A.
Identifiers: ClinVar variation 3610069 (VCV003610069.2).